The following is an entry in ClinVar:

NM_021964.3(ZNF148):c.566A>G (p.His189Arg)

Gene: ZNF148 (zinc finger protein 148; minus strand). Cytogenetic location: 3q21.2.
Variant type: single nucleotide variant.
Coding change: c.566A>G on transcript NM_021964.3 (MANE Select); coding-DNA position 566, A replaced by G.
Protein change: p.His189Arg; replaces histidine 189 with arginine.
Molecular consequence: missense variant.
Genome position (GRCh38, 1-based): chr3:125,279,141, T>C on the plus strand (A>G on the coding strand, the complement: ZNF148 is on the minus strand). VCF-style: chr3-125279141-T-C. GRCh37 (hg19) VCF-style: chr3-124997985-T-C.
Other names: c.566A>G, p.His189Arg (NM_001348424.1, NM_001348425.2, NM_001348426.2 and 8 more transcripts); c.440A>G, p.His147Arg (NM_001348434.2); short protein forms H147R, H189R.
Identifiers: ClinVar variation 4882119 (VCV004882119.2).
Genomic context (GRCh38, chr3:125,279,141, plus strand): 5'-AATAACTTTAATGGCCACAAGCCCATTTTAATTCAAGAAATACCTGTATGAATGAAGACA[T>C]GTCTCTGTAAGTGATAGTTCGTTCTAAAGGCAGCATTGCAGTGCTCACAAACGTGAGATT-3'
Protein context (NP_068799.2, residues 179-199): AFRTNYHLQR[His189Arg]VFIHTGEKPF

ClinVar aggregate classification (germline): Uncertain significance (1 of 4 stars; one submission).

Submission:

Dasa
Classification: Uncertain significance. Last evaluated: 2025-08-22. Review status: criteria provided, single submitter. Criteria: DASA Assertion Criteria. Collection method: clinical testing. Allele origin: germline.
Comment: NM_021964.3(ZNF148):c.566A>G (p.His189Arg) is a missense variant that results in the substitution of histidine with arginine. This variant is absent from population databases. Computational prediction algorithms are consistent with a deleterious effect. The currently available literature and clinical evidence are not sufficient to establish a definitive association between this variant and the reported condition. Therefore, this variant is classified as a variant of uncertain significance.